The following is an entry in ClinVar:

ClinVar aggregate classification (germline): Uncertain significance. Review status: criteria provided, multiple submitters, no conflicts (2 of 4 stars). 2 submissions from 2 submitters: Uncertain significance (2). Last evaluated 2025-12-30.

Conditions:
Hereditary cancer-predisposing syndrome. Also called: Neoplastic Syndromes, Hereditary; Tumor predisposition; Hereditary neoplastic syndrome; Hereditary Cancer Syndrome. Identifiers: Orphanet 140162, MedGen C0027672, MeSH D009386, MONDO:0015356.
Chuvash polycythemia. Also called: POLYCYTHEMIA, VHL-DEPENDENT. Identifiers: Orphanet 238557, MedGen C1837915, MONDO:0009892, OMIM 263400.
Von Hippel-Lindau syndrome (VHLS). Also called: VHL syndrome; von Hippel–Lindau syndrome; Von Hippel-Lindau. Identifiers: Orphanet 892, MedGen C0019562, MONDO:0008667, OMIM 193300. Disease mechanism: loss of function.

Submissions (2):

Ambry Genetics
Classification: Uncertain significance for Hereditary cancer-predisposing syndrome. Last evaluated: 2025-12-30. Review status: criteria provided, single submitter. Criteria: Ambry Variant Classification Scheme 2023. Collection method: clinical testing. Allele origin: germline.
Comment: The p.W8* variant (also known as c.23G>A), located in coding exon 1 of the VHL gene, results from a G to A substitution at nucleotide position 23. This changes the amino acid from a tryptophan to a stop codon within coding exon 1. Premature stop codons are typically deleterious in nature; however, an alternate initiation codon exists downstream of this alteration, and is reported to result in a biologically active isoform, known as VHL19 (Schoenfeld A et al. Proc. Natl. Acad. Sci. U.S.A. 1998 Jul; 95(15):8817-22; Iliopoulos O et al. Proc. Natl. Acad. Sci. U.S.A. 1998 Sep; 95(20):11661-6). Based on the available evidence, the clinical significance of this variant remains unclear.

Labcorp Genetics (formerly Invitae), Labcorp
Classification: Uncertain significance for Von Hippel-Lindau syndrome; Chuvash polycythemia. Last evaluated: 2022-07-21. Review status: criteria provided, single submitter. Criteria: Invitae Variant Classification Sherloc (09022015). Collection method: clinical testing. Allele origin: germline.
Comment: This premature translational stop signal has been observed in individual(s) with hypertension (PMID: 32561571). ClinVar contains an entry for this variant (Variation ID: 411960). Several studies have shown that the VHL protein created from a downstream methionine located at codon 54 is biologically active, and exhibits properties similar to the full-length, wild-type protein (PMID: 9671762, 9751722). In summary, the available evidence is currently insufficient to determine the role of this variant in disease. Therefore, it has been classified as a Variant of Uncertain Significance. This variant is not present in population databases (gnomAD no frequency). This sequence change creates a premature translational stop signal (p.Trp8*) in the VHL gene. It is unclear whether it will result in an absent or disrupted protein product because an in-frame methionine located at codon 54 has the potential to rescue this variant.

Literature cited by the submitters: PubMed 32561571 (cited by Labcorp Genetics (formerly Invitae), Labcorp); PubMed 9671762 (cited by Labcorp Genetics (formerly Invitae), Labcorp); PubMed 9751722 (cited by Labcorp Genetics (formerly Invitae), Labcorp).

NM_000551.4(VHL):c.23G>A (p.Trp8Ter)

Gene: VHL (von Hippel-Lindau tumor suppressor; plus strand). Cytogenetic location: 3p25.3.
Variant type: single nucleotide variant.
Coding change: c.23G>A on transcript NM_000551.4 (MANE Select); coding-DNA position 23, G replaced by A.
Protein change: p.Trp8Ter; replaces tryptophan 8 with a stop codon.
Molecular consequence: nonsense.
Genome position (GRCh38, 1-based): chr3:10,141,870, G>A. VCF-style: chr3-10141870-G-A. GRCh37 (hg19) VCF-style: chr3-10183554-G-A.
Other names: c.23G>A, p.Trp8Ter (NM_001354723.2, NM_198156.3); short protein forms W8*.
Identifiers: ClinVar variation 411960 (VCV000411960.10), dbSNP rs1060503551, ClinGen allele CA16611056.